The following is an entry in ClinVar:

NM_001128148.3(TFRC):c.2068G>A (p.Val690Ile)

Gene: TFRC (transferrin receptor; minus strand). Cytogenetic location: 3q29.
Variant type: single nucleotide variant.
Coding change: c.2068G>A on transcript NM_001128148.3 (MANE Select); coding-DNA position 2068, G replaced by A.
Protein change: p.Val690Ile; replaces valine 690 with isoleucine.
Molecular consequence: missense variant.
Genome position (GRCh38, 1-based): chr3:196,052,157, C>T on the plus strand (G>A on the coding strand, the complement: TFRC is on the minus strand). VCF-style: chr3-196052157-C-T. GRCh37 (hg19) VCF-style: chr3-195779028-C-T.
Other names: c.1825G>A, p.Val609Ile (NM_001313965.2); c.1222G>A, p.Val408Ile (NM_001313966.2); c.2068G>A, p.Val690Ile (NM_003234.4); short protein forms V408I, V609I, V690I.
Identifiers: ClinVar variation 2902038 (VCV002902038.3), dbSNP rs577771580, ClinGen allele CA2777712.

ClinVar aggregate classification (germline): Uncertain significance (1 of 4 stars; one submission).

Allele frequency attached by ClinVar (database versions not stated): gnomAD exomes 0.00001; TOPMed 0.00002; ExAC 0.00004; gnomAD 0.00005; 1000 Genomes Project 30x 0.00016; 1000 Genomes Project 0.00020.
gnomAD v4.1: 20 of 1,613,950 alleles (0.0012%); highest among the groups gnomAD compares: African/African-American, 0.017%; no homozygotes.

Submission:

Labcorp Genetics (formerly Invitae), Labcorp
Classification: Uncertain significance. Last evaluated: 2025-02-03. Review status: criteria provided, single submitter. Criteria: Invitae Variant Classification Sherloc (09022015). Collection method: clinical testing. Allele origin: germline.
Comment: This sequence change replaces valine, which is neutral and non-polar, with isoleucine, which is neutral and non-polar, at codon 690 of the TFRC protein (p.Val690Ile). This variant is present in population databases (rs577771580, gnomAD 0.02%). This variant has not been reported in the literature in individuals affected with TFRC-related conditions. ClinVar contains an entry for this variant (Variation ID: 2902038). Invitae Evidence Modeling of protein sequence and biophysical properties (such as structural, functional, and spatial information, amino acid conservation, physicochemical variation, residue mobility, and thermodynamic stability) indicates that this missense variant is not expected to disrupt TFRC protein function with a negative predictive value of 80%. In summary, the available evidence is currently insufficient to determine the role of this variant in disease. Therefore, it has been classified as a Variant of Uncertain Significance.